The following is an entry in ClinVar:

ClinVar aggregate classification (germline): Benign (1 of 4 stars; one submission).

gnomAD v4.1: 15,088 of 1,535,274 alleles (0.98%); highest among the groups gnomAD compares: Non-Finnish European, 1.2%; 104 homozygotes.

Submission:

CeGaT Center for Human Genetics Tuebingen
Classification: Benign. Last evaluated: 2025-02-01. Review status: criteria provided, single submitter. Criteria: CeGaT Center For Human Genetics Tuebingen Variant Classification Criteria Version 2. Collection method: clinical testing. Allele origin: germline. Affected: yes. Observed: 1 variant allele.
Comment: CROCC: BP4, BS1, BS2

NM_014675.5(CROCC):c.4769G>A (p.Arg1590His)

Gene: CROCC (ciliary rootlet coiled-coil, rootletin; plus strand). Cytogenetic location: 1p36.13.
Variant type: single nucleotide variant.
Coding change: c.4769G>A on transcript NM_014675.5 (MANE Select); coding-DNA position 4769, G replaced by A.
Protein change: p.Arg1590His; replaces arginine 1590 with histidine.
Molecular consequence: missense variant.
Genome position (GRCh38, 1-based): chr1:16,966,480, G>A. VCF-style: chr1-16966480-G-A. GRCh37 (hg19) VCF-style: chr1-17292975-G-A.
Other names: short protein forms R1590H.
Identifiers: ClinVar variation 3770514 (VCV003770514.13).